The following is an entry in ClinVar:

NM_007373.4(SHOC2):c.1634T>C (p.Ile545Thr)

Gene: SHOC2 (SHOC2 leucine rich repeat scaffold protein; plus strand). Cytogenetic location: 10q25.2.
Variant type: single nucleotide variant.
Coding change: c.1634T>C on transcript NM_007373.4 (MANE Select); coding-DNA position 1634, T replaced by C.
Protein change: p.Ile545Thr; replaces isoleucine 545 with threonine.
Molecular consequence: missense variant. On other transcripts: 3 prime UTR variant (1), non-coding transcript variant (1).
Genome position (GRCh38, 1-based): chr10:111,011,703, T>C. VCF-style: chr10-111011703-T-C. GRCh37 (hg19) VCF-style: chr10-112771461-T-C.
Other names: c.1496T>C, p.Ile499Thr (NM_001269039.3, NM_001441186.1); c.1634T>C, p.Ile545Thr (NM_001324336.2, NM_001324337.2, NM_001441184.1 and 1 more transcripts); c.*76T>C (NM_001441187.1); c.965T>C, p.Ile322Thr (NM_001441188.1); c.551T>C, p.Ile184Thr (NM_001441189.1, NM_001441190.1, NM_001441191.1); short protein forms I322T, I184T, I499T, I545T.
Identifiers: ClinVar variation 4744184 (VCV004744184.1).
Genomic context (GRCh38, chr10:111,011,703, plus strand): 5'-ATGACAACCCCAACCTGCATAGCCTTCCCTTTGAGCTGGCACTCTGCAGCAAGCTTTCAA[T>C]CATGAGTATTGAGAACTGTCCACTCAGTCACCTTCCACCTCAGATTGTTGCTGGGGGGCC-3'
Protein context (NP_031399.2, residues 535-555): FELALCSKLS[Ile545Thr]MSIENCPLSH

ClinVar aggregate classification (germline): Uncertain significance (1 of 4 stars; one submission).

Conditions:
RASopathy. Also called: rasopathies; Noonan spectrum disorder. Identifiers: Orphanet 536391, MedGen C5555857, MONDO:0021060.

Submission:

Labcorp Genetics (formerly Invitae), Labcorp
Classification: Uncertain significance for RASopathy. Last evaluated: 2025-03-13. Review status: criteria provided, single submitter. Criteria: Invitae Variant Classification Sherloc (09022015). Collection method: clinical testing. Allele origin: germline.
Comment: This sequence change replaces isoleucine, which is neutral and non-polar, with threonine, which is neutral and polar, at codon 545 of the SHOC2 protein (p.Ile545Thr). This variant is not present in population databases (gnomAD no frequency). This variant has not been reported in the literature in individuals affected with SHOC2-related conditions. Invitae Evidence Modeling of protein sequence and biophysical properties (such as structural, functional, and spatial information, amino acid conservation, physicochemical variation, residue mobility, and thermodynamic stability) has been performed for this missense variant. However, the output from this modeling did not meet the statistical confidence thresholds required to predict the impact of this variant on SHOC2 protein function. In summary, the available evidence is currently insufficient to determine the role of this variant in disease. Therefore, it has been classified as a Variant of Uncertain Significance.